The following is an entry in ClinVar:

ClinVar aggregate classification (germline): Likely pathogenic. Review status: criteria provided, multiple submitters, no conflicts (2 of 4 stars). 2 submissions from 2 submitters: Likely pathogenic (2). Last evaluated 2025-10-29.

Conditions:
Dyskeratosis congenita, autosomal recessive 5 (DKCB5). Identifiers: MedGen C3554656, MONDO:0014076, OMIM 615190.
Pulmonary fibrosis and/or bone marrow failure, Telomere-related, 3. Also called: PULMONARY FIBROSIS AND/OR BONE MARROW FAILURE SYNDROME, TELOMERE-RELATED, 3. Identifiers: Orphanet 2032, MedGen C4225346, MONDO:0014613, OMIM 616373.

Submissions (2):

Labcorp Genetics (formerly Invitae), Labcorp
Classification: Likely pathogenic for Dyskeratosis congenita, autosomal recessive 5; Pulmonary fibrosis and/or bone marrow failure, Telomere-related, 3. Last evaluated: 2025-10-29. Review status: criteria provided, single submitter. Criteria: Invitae Variant Classification Sherloc (09022015). Collection method: clinical testing. Allele origin: germline.
Comment: This sequence change affects an acceptor splice site in intron 5 of the RTEL1 gene. It is expected to disrupt RNA splicing. Variants that disrupt the donor or acceptor splice site typically lead to a loss of protein function (PMID: 16199547), and loss-of-function variants in RTEL1 are known to be pathogenic (PMID: 23453664, 23959892, 25607374). This variant is not present in population databases (gnomAD no frequency). This variant has not been reported in the literature in individuals affected with RTEL1-related conditions. ClinVar contains an entry for this variant (Variation ID: 2678468). Algorithms developed to predict the effect of sequence changes on RNA splicing suggest that this variant may disrupt the consensus splice site. In summary, the currently available evidence indicates that the variant is pathogenic, but additional data are needed to prove that conclusively. Therefore, this variant has been classified as Likely Pathogenic.

Baylor Genetics
Classification: Likely pathogenic for Dyskeratosis congenita, autosomal recessive 5. Last evaluated: 2023-06-26. Review status: criteria provided, single submitter. Criteria: ACMG Guidelines, 2015. Collection method: clinical testing. Allele origin: unknown.

Literature cited by the submitters: PubMed 16199547 (cited by Labcorp Genetics (formerly Invitae), Labcorp); PubMed 23453664 (cited by Labcorp Genetics (formerly Invitae), Labcorp); PubMed 23959892 (cited by Labcorp Genetics (formerly Invitae), Labcorp); PubMed 25607374 (cited by Labcorp Genetics (formerly Invitae), Labcorp).

NM_001283009.2(RTEL1):c.478-2A>G

Genes: RTEL1 (regulator of telomere elongation helicase 1; plus strand), RTEL1-TNFRSF6B (RTEL1-TNFRSF6B readthrough (NMD candidate); plus strand). Cytogenetic location: 20q13.33.
Variant type: single nucleotide variant.
Coding change: c.478-2A>G on transcript NM_001283009.2 (MANE Select); the canonical splice acceptor site of the intron before coding-DNA position 478, A replaced by G.
Molecular consequence: splice acceptor variant.
Genome position (GRCh38, 1-based): chr20:63,662,827, A>G. VCF-style: chr20-63662827-A-G. GRCh37 (hg19) VCF-style: chr20-62294180-A-G.
Other names: c.-192-2A>G (NM_001283010.1); c.550-2A>G (NM_032957.5); c.478-2A>G (NM_016434.4).
Identifiers: ClinVar variation 2678468 (VCV002678468.2), dbSNP rs2516999509, ClinGen allele CA409669832.
Genomic context (GRCh38, chr20:63,662,827, plus strand): 5'-GGACTGGCTTCGGTCCTTTCTTGGCCGTGCTTCAGCTGCGCACTCTGCCCTTCCTCCCAC[A>G]GATCCACTTGTGCCGTAAGAAGGTGGCAAGTCGCTCCTGTCATTTCTACAACAACGTAGA-3'